The following is an entry in ClinVar:

ClinVar aggregate classification (germline): Likely benign. Review status: criteria provided, multiple submitters, no conflicts (2 of 4 stars). 3 submissions from 3 submitters: Likely benign (3). Last evaluated 2026-02-02.

Conditions:
CYP27A1-related disorder. Also called: CYP27A1-related condition.
Cardiovascular phenotype. Identifiers: MedGen CN230736.
Cholestanol storage disease (CTX). Also called: CTX: Cerebrotendinous xanthomatosis; CEREBRAL CHOLESTERINOSIS; Cerebrotendinous Xanthomatosis. Identifiers: Orphanet 909, MedGen C0238052, MONDO:0008948, OMIM 213700.

Allele frequency attached by ClinVar (database versions not stated): ExAC 0.00002; gnomAD exomes 0.00002 and 0.00004; gnomAD 0.00003 and 0.00004; TOPMed 0.00003.
gnomAD v4.1: 67 of 1,613,624 alleles (0.0042%); highest among the groups gnomAD compares: Non-Finnish European, 0.0054%; no homozygotes.

Submissions (3):

Labcorp Genetics (formerly Invitae), Labcorp
Classification: Likely benign for Cholestanol storage disease. Last evaluated: 2026-02-02. Review status: criteria provided, single submitter. Criteria: Invitae Variant Classification Sherloc (09022015). Collection method: clinical testing. Allele origin: germline.

PreventionGenetics, part of Exact Sciences
Classification: Likely benign for CYP27A1-related condition. Last evaluated: 2024-10-29. Review status: criteria provided, single submitter. Criteria: ACMG Guidelines, 2015. Collection method: clinical testing. Allele origin: germline.
Comment: This variant is classified as likely benign based on ACMG/AMP sequence variant interpretation guidelines (Richards et al. 2015 PMID: 25741868, with internal and published modifications).

Ambry Genetics
Classification: Likely benign for Cardiovascular phenotype. Last evaluated: 2020-11-19. Review status: criteria provided, single submitter. Criteria: Ambry Variant Classification Scheme 2023. Collection method: clinical testing. Allele origin: germline.

NM_000784.4(CYP27A1):c.159G>A (p.Arg53=)

Gene: CYP27A1 (cytochrome P450 family 27 subfamily A member 1; plus strand). Cytogenetic location: 2q35.
Variant type: single nucleotide variant.
Coding change: c.159G>A on transcript NM_000784.4 (MANE Select); coding-DNA position 159, G replaced by A.
Protein change: p.Arg53=; no amino-acid change (arginine 53 retained).
Molecular consequence: synonymous variant.
Genome position (GRCh38, 1-based): chr2:218,782,341, G>A. VCF-style: chr2-218782341-G-A. GRCh37 (hg19) VCF-style: chr2-219647064-G-A.
Identifiers: ClinVar variation 749916 (VCV000749916.13), dbSNP rs750652986, ClinGen allele CA2112526.